The following is an entry in ClinVar:

ClinVar aggregate classification (germline): Pathogenic (1 of 4 stars; one submission).

Conditions:
Neurometabolic disorder due to serine deficiency. Identifiers: Orphanet 35705, MedGen C5680148, MONDO:0018162.

Submission:

Myriad Genetics, Inc.
Classification: Pathogenic for Neurometabolic disorder due to serine deficiency. Last evaluated: 2026-02-15. Review status: criteria provided, single submitter. Criteria: Myriad Autosomal Dominant, Autosomal Recessive and X-Linked Classification Criteria (2023). Collection method: clinical testing. Allele origin: unknown.
Comment: NM_006623.3(PHGDH):c.263_270dup8(K91Qfs*9) is expected to be pathogenic in the context of serine deficiency disorder, PHGDH-related. This variant is predicted to lead to an abnormal or absent protein product due to the creation of a premature termination codon in PHGDH, a gene where loss-of-function variants are known to be pathogenic. Please note: this variant was assessed in the context of healthy population screening.

NM_006623.4(PHGDH):c.263_270dup (p.Lys91fs)

Gene: PHGDH (phosphoglycerate dehydrogenase; plus strand). Cytogenetic location: 1p12.
Variant type: Duplication.
Coding change: c.263_270dup on transcript NM_006623.4 (MANE Select); coding-DNA positions 263 to 270, 8 bases duplicated (CAACAAGG; older notation c.263_270dupCAACAAGG).
Protein change: p.Lys91fs; shifts the reading frame from lysine 91.
Molecular consequence: frameshift variant.
Genome position (GRCh38, 1-based): chr1:119,721,294-119,721,301, CAACAAGG duplicated; duplicating any 8 consecutive bases within chr1:119,721,293-119,721,301 gives the same sequence; the c. name uses the placement nearest the transcript's 3' end. VCF-style (leftmost placement, unchanged base first): chr1-119721292-C-CGCAACAAG. GRCh37 (hg19) VCF-style: chr1-120263915-C-CGCAACAAG.
Other names: short protein forms K91fs.
Identifiers: ClinVar variation 5015555 (VCV005015555.1).
Genomic context (GRCh38, chr1:119,721,292, plus strand): 5'-TGAGAAACTCCAGGTGGTGGGCAGGGCTGGCACAGGTGTGGACAATGTGGATCTGGAGGC[C>CGCAACAAG]GCAACAAGGAAGGGCATCTTGGTTATGAAGTAAGTCATGGAGGCTGCGGGCGGTTTGGGG-3'